The following is an entry in ClinVar:

NM_001372106.1(DNAH10):c.2987+8C>T

Gene: DNAH10 (dynein axonemal heavy chain 10; plus strand). Cytogenetic location: 12q24.31.
Variant type: single nucleotide variant.
Coding change: c.2987+8C>T on transcript NM_001372106.1 (MANE Select); 8 bases into the intron after coding-DNA position 2987, C replaced by T.
Molecular consequence: intron variant.
Genome position (GRCh38, 1-based): chr12:123,805,048, C>T. VCF-style: chr12-123805048-C-T. GRCh37 (hg19) VCF-style: chr12-124289595-C-T.
Other names: c.2633+8C>T (NM_207437.3).
Identifiers: ClinVar variation 3033853 (VCV003033853.2), dbSNP rs749051618, ClinGen allele CA6863188.
Genomic context (GRCh38, chr12:123,805,048, plus strand): 5'-TACAAATACTGGGAAAAGAAAATTTATGAGGTCCTGACAAAGCTCATCCTGAAGTAAGTT[C>T]ATCTTGTTGCATGCTTTAAAATGGTGTGTGTAGATTAAAACAGTTGACAAATATGGACAG-3'

ClinVar aggregate classification (germline): Likely benign (0 of 4 stars; one submission).

Conditions:
DNAH10-related disorder. Also called: DNAH10-related condition.

Allele frequency attached by ClinVar (database versions not stated): ExAC 0.00005.

Submission:

PreventionGenetics, part of Exact Sciences
Classification: Likely benign for DNAH10-related condition. Last evaluated: 2019-06-17. Review status: no assertion criteria provided. Collection method: clinical testing. Allele origin: germline.
Comment: This variant is classified as likely benign based on ACMG/AMP sequence variant interpretation guidelines (Richards et al. 2015 PMID: 25741868, with internal and published modifications).